The following is an entry in ClinVar:

NM_001042492.3(NF1):c.7072G>C (p.Glu2358Gln)

Gene: NF1 (neurofibromin 1; plus strand). Cytogenetic location: 17q11.2.
Variant type: single nucleotide variant.
Coding change: c.7072G>C on transcript NM_001042492.3 (MANE Select); coding-DNA position 7072, G replaced by C.
Protein change: p.Glu2358Gln; replaces glutamic acid 2358 with glutamine.
Molecular consequence: missense variant.
Genome position (GRCh38, 1-based): chr17:31,343,018, G>C. VCF-style: chr17-31343018-G-C. GRCh37 (hg19) VCF-style: chr17-29670036-G-C.
Other names: c.7009G>C, p.Glu2337Gln (NM_000267.4); short protein forms E2337Q, E2358Q.
Identifiers: ClinVar variation 1007531 (VCV001007531.5), dbSNP rs2069865899, ClinGen allele CA399015520.
Genomic context (GRCh38, chr17:31,343,018, plus strand): 5'-AGAAAGCTACTGTGTGAACCTCATCAACCATCTCATGATTATCTTTAATAGAGTCCAGAG[G>C]AAGTATTTATGGCAATCCGGAATCCTCTGGAGTGGCACTGCAAGCAAATGGATCATTTTG-3'
Protein context (NP_001035957.1, residues 2348-2368): LRIFNDKSPE[Glu2358Gln]VFMAIRNPLE

ClinVar aggregate classification (germline): Uncertain significance (1 of 4 stars; one submission).

Conditions:
Neurofibromatosis, type 1 (NF1). Also called: NEUROFIBROMATOSIS, TYPE I, SOMATIC; Peripheral type neurofibromatosis; VON RECKLINGHAUSEN DISEASE; Neurofibromatosis, type I. Identifiers: Orphanet 636, MedGen C0027831, MONDO:0018975, OMIM 162200. Disease mechanism: loss of function.

Submission:

Labcorp Genetics (formerly Invitae), Labcorp
Classification: Uncertain significance for Neurofibromatosis, type 1. Last evaluated: 2025-11-02. Review status: criteria provided, single submitter. Criteria: Invitae Variant Classification Sherloc (09022015). Collection method: clinical testing. Allele origin: germline.
Comment: This sequence change replaces glutamic acid, which is acidic and polar, with glutamine, which is neutral and polar, at codon 2337 of the NF1 protein (p.Glu2337Gln). This variant is not present in population databases (gnomAD no frequency). This variant has not been reported in the literature in individuals affected with NF1-related conditions. ClinVar contains an entry for this variant (Variation ID: 1007531). Invitae Evidence Modeling of protein sequence and biophysical properties (such as structural, functional, and spatial information, amino acid conservation, physicochemical variation, residue mobility, and thermodynamic stability) indicates that this missense variant is not expected to disrupt NF1 protein function with a negative predictive value of 95%. In summary, the available evidence is currently insufficient to determine the role of this variant in disease. Therefore, it has been classified as a Variant of Uncertain Significance.